The following is an entry in ClinVar:

NM_004519.4(KCNQ3):c.2139dup (p.Ala714fs)

Gene: KCNQ3 (potassium voltage-gated channel subfamily Q member 3; minus strand). Cytogenetic location: 8q24.22.
Variant type: Duplication.
Coding change: c.2139dup on transcript NM_004519.4 (MANE Select); coding-DNA position 2139, one base duplicated (T; older notation c.2139dupT).
Protein change: p.Ala714fs; shifts the reading frame from alanine 714.
Molecular consequence: frameshift variant.
Genome position (GRCh38, 1-based): chr8:132,129,742, A duplicated on the plus strand (T on the coding strand, the reverse complement: KCNQ3 is on the minus strand); the first of 6 consecutive A bases (chr8:132,129,742-132,129,747); duplicating any one gives the same sequence. VCF-style (leftmost placement, unchanged base first): chr8-132129741-C-CA. GRCh37 (hg19) VCF-style: chr8-133141988-C-CA.
Other names: c.1779dup, p.Ala594fs (NM_001204824.2); c.2139dupT (NM_004519.3); short protein forms A594fs, A714fs.
Identifiers: ClinVar variation 567399 (VCV000567399.7), dbSNP rs1554621412, ClinGen allele CA645559558.

ClinVar aggregate classification (germline): Uncertain significance (1 of 4 stars; one submission).

Conditions:
Benign neonatal seizures. Also called: Convulsions benign familial neonatal dominant form; Autosomal dominant form of benign neonatal seizures; Benign familial neonatal epilepsy; Benign familial neonatal seizures; Benign neonatal familial convulsions. Identifiers: Orphanet 1949, MedGen C0220669, MONDO:0016027.

Submission:

Labcorp Genetics (formerly Invitae), Labcorp
Classification: Uncertain significance for Benign neonatal seizures. Last evaluated: 2026-01-26. Review status: criteria provided, single submitter. Criteria: Invitae Variant Classification Sherloc (09022015). Collection method: clinical testing. Allele origin: germline.
Comment: This sequence change creates a premature translational stop signal (p.Ala714Cysfs*3) in the KCNQ3 gene. While this is not anticipated to result in nonsense mediated decay, it is expected to disrupt the last 159 amino acid(s) of the KCNQ3 protein. This variant is not present in population databases (gnomAD no frequency). This variant has not been reported in the literature in individuals affected with KCNQ3-related conditions. ClinVar contains an entry for this variant (Variation ID: 567399). Experimental studies and prediction algorithms are not available or were not evaluated, and the functional significance of this variant is currently unknown. In summary, the available evidence is currently insufficient to determine the role of this variant in disease. Therefore, it has been classified as a Variant of Uncertain Significance.